The following is an entry in ClinVar:

NM_021927.3(GUF1):c.1112A>G (p.Asn371Ser)

Gene: GUF1 (GTP binding elongation factor GUF1; plus strand). Cytogenetic location: 4p12.
Variant type: single nucleotide variant.
Coding change: c.1112A>G on transcript NM_021927.3 (MANE Select); coding-DNA position 1112, A replaced by G.
Protein change: p.Asn371Ser; replaces asparagine 371 with serine.
Molecular consequence: missense variant.
Genome position (GRCh38, 1-based): chr4:44,689,319, A>G. VCF-style: chr4-44689319-A-G. GRCh37 (hg19) VCF-style: chr4-44691336-A-G.
Other names: c.140A>G, p.Asn47Ser (NM_001345867.2, NM_001345869.2); c.1112A>G, p.Asn371Ser (NM_001345868.2); short protein forms N371S, N47S.
Identifiers: ClinVar variation 708336 (VCV000708336.12), dbSNP rs201208012, ClinGen allele CA2905547.

ClinVar aggregate classification (germline): Benign. Review status: criteria provided, single submitter (1 of 4 stars). 2 submissions from 2 submitters: Benign (1). 1 of the submissions does not count toward it. Last evaluated 2026-01-13.

Conditions:
GUF1-related disorder. Also called: GUF1-related condition.

Allele frequency attached by ClinVar (database versions not stated): TOPMed 0.00025; gnomAD 0.00094 and 0.00008; gnomAD exomes 0.00178 and 0.00370; 1000 Genomes Project 30x 0.00406; ExAC 0.00406; 1000 Genomes Project 0.00419.
gnomAD v4.1: 2,741 of 1,609,664 alleles (0.17%); highest among the groups gnomAD compares: South Asian, 2.8%; 70 homozygotes.

Submissions (2):

Labcorp Genetics (formerly Invitae), Labcorp
Classification: Benign. Last evaluated: 2026-01-13. Review status: criteria provided, single submitter. Criteria: Invitae Variant Classification Sherloc (09022015). Collection method: clinical testing. Allele origin: germline.

PreventionGenetics, part of Exact Sciences
Classification: Benign for GUF1-related condition. Last evaluated: 2019-06-27. Review status: no assertion criteria provided. Collection method: clinical testing. Allele origin: germline. Not counted in ClinVar's aggregate classification.
Comment: This variant is classified as benign based on ACMG/AMP sequence variant interpretation guidelines (Richards et al. 2015 PMID: 25741868, with internal and published modifications).